The following is an entry in ClinVar:

ClinVar aggregate classification (germline): Uncertain significance (1 of 4 stars; one submission).

Conditions:
2-aminoadipic 2-oxoadipic aciduria (AAKAD). Also called: ALPHA-AMINOADIPIC AND ALPHA-KETOADIPIC ACIDURIA; Aminoadipic aciduria. Identifiers: Orphanet 79154, MedGen C1859817, MONDO:0008774, OMIM 204750.

Submission:

Labcorp Genetics (formerly Invitae), Labcorp
Classification: Uncertain significance for 2-aminoadipic 2-oxoadipic aciduria. Last evaluated: 2021-08-18. Review status: criteria provided, single submitter. Criteria: Invitae Variant Classification Sherloc (09022015). Collection method: clinical testing. Allele origin: germline.
Comment: This sequence change replaces isoleucine with valine at codon 762 of the DHTKD1 protein (p.Ile762Val). The isoleucine residue is highly conserved and there is a small physicochemical difference between isoleucine and valine. This variant is not present in population databases (ExAC no frequency). This variant has not been reported in the literature in individuals affected with DHTKD1-related conditions. Algorithms developed to predict the effect of missense changes on protein structure and function (SIFT, PolyPhen-2, Align-GVGD) all suggest that this variant is likely to be tolerated. In summary, the available evidence is currently insufficient to determine the role of this variant in disease. Therefore, it has been classified as a Variant of Uncertain Significance.

NM_018706.7(DHTKD1):c.2284A>G (p.Ile762Val)

Gene: DHTKD1 (dehydrogenase E1 and transketolase domain containing 1; plus strand). Cytogenetic location: 10p14.
Variant type: single nucleotide variant.
Coding change: c.2284A>G on transcript NM_018706.7 (MANE Select); coding-DNA position 2284, A replaced by G.
Protein change: p.Ile762Val; replaces isoleucine 762 with valine.
Molecular consequence: missense variant.
Genome position (GRCh38, 1-based): chr10:12,113,029, A>G. VCF-style: chr10-12113029-A-G. GRCh37 (hg19) VCF-style: chr10-12155028-A-G.
Other names: short protein forms I762V.
Identifiers: ClinVar variation 1375890 (VCV001375890.6), dbSNP rs2131624242, ClinGen allele CA376013728.